The following is an entry in ClinVar:

ClinVar aggregate classification (germline): Uncertain significance. Review status: criteria provided, multiple submitters, no conflicts (2 of 4 stars). 2 submissions from 2 submitters: Uncertain significance (2). Last evaluated 2024-04-20.

Conditions:
Cardiovascular phenotype. Identifiers: MedGen CN230736.
Dilated cardiomyopathy 1JJ (CMD1JJ). Identifiers: Orphanet 154, MedGen C3808935, MONDO:0014095, OMIM 615235.

Allele frequency attached by ClinVar (database versions not stated): gnomAD 0.00001; ExAC 0.00002; gnomAD exomes 0.00002; 1000 Genomes Project 30x 0.00016; 1000 Genomes Project 0.00020.
gnomAD v4.1: 31 of 1,613,684 alleles (0.0019%); highest among the groups gnomAD compares: East Asian, 0.069%; no homozygotes.

Submissions (2):

Ambry Genetics
Classification: Uncertain significance for Cardiovascular phenotype. Last evaluated: 2024-04-20. Review status: criteria provided, single submitter. Criteria: Ambry Variant Classification Scheme 2023. Collection method: clinical testing. Allele origin: germline.

Labcorp Genetics (formerly Invitae), Labcorp
Classification: Uncertain significance for Dilated cardiomyopathy 1JJ. Last evaluated: 2022-02-05. Review status: criteria provided, single submitter. Criteria: Invitae Variant Classification Sherloc (09022015). Collection method: clinical testing. Allele origin: germline.
Comment: In summary, the available evidence is currently insufficient to determine the role of this variant in disease. Therefore, it has been classified as a Variant of Uncertain Significance. Algorithms developed to predict the effect of missense changes on protein structure and function (SIFT, PolyPhen-2, Align-GVGD) all suggest that this variant is likely to be tolerated. This variant has not been reported in the literature in individuals affected with LAMA4-related conditions. This variant is present in population databases (rs182853881, gnomAD 0.02%). This sequence change replaces isoleucine, which is neutral and non-polar, with threonine, which is neutral and polar, at codon 330 of the LAMA4 protein (p.Ile330Thr).

NM_001105206.3(LAMA4):c.1010T>C (p.Ile337Thr)

Gene: LAMA4 (laminin subunit alpha 4; minus strand). Cytogenetic location: 6q21.
Variant type: single nucleotide variant.
Coding change: c.1010T>C on transcript NM_001105206.3 (MANE Select); coding-DNA position 1010, T replaced by C.
Protein change: p.Ile337Thr; replaces isoleucine 337 with threonine.
Molecular consequence: missense variant.
Genome position (GRCh38, 1-based): chr6:112,185,304, A>G on the plus strand (T>C on the coding strand, the complement: LAMA4 is on the minus strand). VCF-style: chr6-112185304-A-G. GRCh37 (hg19) VCF-style: chr6-112506506-A-G.
Other names: c.989T>C, p.Ile330Thr (NM_001105207.3, NM_002290.5); short protein forms I330T, I337T.
Identifiers: ClinVar variation 1768525 (VCV001768525.8), dbSNP rs182853881, ClinGen allele CA3965923.